The following is an entry in ClinVar:

NM_017654.4(SAMD9):c.4198C>A (p.Pro1400Thr)

Gene: SAMD9 (sterile alpha motif domain containing 9; minus strand). Cytogenetic location: 7q21.2.
Variant type: single nucleotide variant.
Coding change: c.4198C>A on transcript NM_017654.4 (MANE Select); coding-DNA position 4198, C replaced by A.
Protein change: p.Pro1400Thr; replaces proline 1400 with threonine.
Molecular consequence: missense variant.
Genome position (GRCh38, 1-based): chr7:93,101,900, G>T on the plus strand (C>A on the coding strand, the complement: SAMD9 is on the minus strand). VCF-style: chr7-93101900-G-T. GRCh37 (hg19) VCF-style: chr7-92731213-G-T.
Other names: c.4198C>A, p.Pro1400Thr (NM_001193307.2); short protein forms P1400T.
Identifiers: ClinVar variation 4826995 (VCV004826995.1).

ClinVar aggregate classification (germline): Uncertain significance (1 of 4 stars; one submission).

Conditions:
Inborn genetic diseases. Identifiers: MedGen C0950123, MeSH D030342.

Submission:

Ambry Genetics
Classification: Uncertain significance for Inborn genetic diseases. Last evaluated: 2026-02-23. Review status: criteria provided, single submitter. Criteria: Ambry Variant Classification Scheme 2023. Collection method: clinical testing. Allele origin: germline.
Comment: The p.P1400T variant (also known as c.4198C>A), located in coding exon 1 of the SAMD9 gene, results from a C to A substitution at nucleotide position 4198. The proline at codon 1400 is replaced by threonine, an amino acid with highly similar properties. This amino acid position is conserved. In addition, this alteration is predicted to be tolerated by in silico analysis. Based on the available evidence, the clinical significance of this variant remains unclear.